The following is an entry in ClinVar:

NM_000288.4(PEX7):c.539dup (p.Arg181fs)

Gene: PEX7 (peroxisomal biogenesis factor 7; plus strand). Cytogenetic location: 6q23.3.
Variant type: Duplication.
Coding change: c.539dup on transcript NM_000288.4 (MANE Select); coding-DNA position 539, one base duplicated (T; older notation c.539dupT).
Protein change: p.Arg181fs; shifts the reading frame from arginine 181.
Molecular consequence: frameshift variant.
Genome position (GRCh38, 1-based): chr6:136,866,639, T duplicated. VCF-style (leftmost placement, unchanged base first): chr6-136866638-C-CT. GRCh37 (hg19) VCF-style: chr6-137187776-C-CT.
Other names: c.425dup, p.Arg143fs (NM_001410945.1); short protein forms R143fs, R181fs.
Identifiers: ClinVar variation 3720718 (VCV003720718.2).
Genomic context (GRCh38, chr6:136,866,638, plus strand): 5'-CACATTCAAGTGGTGTGATGGGAAATGATCAAGTCTTCCTTTTTACTAGGTGATCAGACT[C>CT]TGAGAATATGGGATGTGAAGGCAGCAGGAGTAAGAATCGTGATTCCTGCACATCAGGCAG-3'

ClinVar aggregate classification (germline): Pathogenic (1 of 4 stars; one submission).

Conditions:
Peroxisome biogenesis disorder 9B. Also called: PEX7-Related Refsum Disease; Refsum disease, adult, 2; PEROXISOME BIOGENESIS DISORDER, PEX7-RELATED, ATYPICAL. Identifiers: Orphanet 773, MedGen C2749346, MONDO:0013945, OMIM 614879.

Submission:

Labcorp Genetics (formerly Invitae), Labcorp
Classification: Pathogenic for Peroxisome biogenesis disorder 9B. Last evaluated: 2024-02-06. Review status: criteria provided, single submitter. Criteria: Invitae Variant Classification Sherloc (09022015). Collection method: clinical testing. Allele origin: germline.
Comment: This sequence change creates a premature translational stop signal (p.Arg181Glufs*25) in the PEX7 gene. It is expected to result in an absent or disrupted protein product. Loss-of-function variants in PEX7 are known to be pathogenic (PMID: 12325024, 12522768, 20301447). This variant is not present in population databases (gnomAD no frequency). This premature translational stop signal has been observed in individual(s) with rhizomelic chondrodysplasia punctata (PMID: 20145307). For these reasons, this variant has been classified as Pathogenic.

Literature cited by the submitters: PubMed 12325024; PubMed 12522768; PubMed 20301447; PubMed 20145307.